The following is an entry in ClinVar:

NM_000037.4(ANK1):c.4125_4127del (p.Arg1377del)

Gene: ANK1 (ankyrin 1; minus strand). Cytogenetic location: 8p11.21.
Variant type: Deletion.
Coding change: c.4125_4127del on transcript NM_000037.4 (MANE Select); coding-DNA positions 4125 to 4127, 3 bases deleted (GAG; older notation c.4125_4127delGAG).
Protein change: p.Arg1377del; deletes arginine 1377.
Molecular consequence: inframe deletion.
Genome position (GRCh38, 1-based): chr8:41,688,567-41,688,569, CTC deleted on the plus strand (GAG on the coding strand, the reverse complement: ANK1 is on the minus strand); deleting any 3 consecutive bases within chr8:41,688,567-41,688,571 gives the same sequence; the c. name uses the placement nearest the transcript's 3' end. VCF-style (leftmost placement, unchanged base first): chr8-41688566-TCTC-T. GRCh37 (hg19) VCF-style: chr8-41546084-TCTC-T.
Other names: c.4248_4250del, p.Arg1418del (NM_001142446.2); c.4125_4127del, p.Arg1377del (NM_020475.3, NM_020476.3, NM_020477.3); short protein forms R1377del, R1418del.
Identifiers: ClinVar variation 4700115 (VCV004700115.1).
Genomic context (GRCh38, chr8:41,688,566, plus strand): 5'-CGTACCTGGTGTGGACTCACTGAGAATGCTGTATCGCAGGGCCAGGGGCGTCGGGGTCCT[TCTC>T]CTATCTTCGGCTCCACTTCCCTGCAGAAGAAGAAAGGGTGCTTTGGGTTTTGGACTCTCC-3'

ClinVar aggregate classification (germline): Uncertain significance (1 of 4 stars; one submission).

Submission:

Labcorp Genetics (formerly Invitae), Labcorp
Classification: Uncertain significance. Last evaluated: 2025-12-11. Review status: criteria provided, single submitter. Criteria: Invitae Variant Classification Sherloc (09022015). Collection method: clinical testing. Allele origin: germline.
Comment: This variant, c.4125_4127del, results in the deletion of 1 amino acid(s) of the ANK1 protein (p.Arg1377del), but otherwise preserves the integrity of the reading frame. This variant is present in population databases (rs570599290, gnomAD 0.02%). This variant has not been reported in the literature in individuals affected with ANK1-related conditions. Experimental studies and prediction algorithms are not available or were not evaluated, and the functional significance of this variant is currently unknown. In summary, the available evidence is currently insufficient to determine the role of this variant in disease. Therefore, it has been classified as a Variant of Uncertain Significance.